The following is an entry in ClinVar:

ClinVar aggregate classification (germline): Likely benign (1 of 4 stars; one submission).

Submission:

CeGaT Center for Human Genetics Tuebingen
Classification: Likely benign. Last evaluated: 2025-11-01. Review status: criteria provided, single submitter. Criteria: CeGaT Center For Human Genetics Tuebingen Variant Classification Criteria Version 2. Collection method: clinical testing. Allele origin: germline. Affected: yes. Observed: 1 variant allele.
Comment: MUC4: BP4, BP7

NM_018406.7(MUC4):c.5436C>G (p.Thr1812=)

Gene: MUC4 (mucin 4, cell surface associated). Cytogenetic location: 3q29.
Variant type: single nucleotide variant.
Coding change: c.5436C>G on transcript NM_018406.7 (MANE Select); coding-DNA position 5436, C replaced by G.
Protein change: p.Thr1812=; no amino-acid change (threonine 1812 retained).
Molecular consequence: synonymous variant. On other transcripts: intron variant (2).
Genome position (GRCh38, 1-based): chr3:195,786,144, G>C on the plus strand (C>G on the coding strand, the complement: MUC4 is on the minus strand). VCF-style: chr3-195786144-G-C. GRCh37 (hg19) VCF-style: chr3-195513015-G-C.
Other names: c.83-11839C>G (NM_138297.5); c.83-7689C>G (NM_004532.6).
Identifiers: ClinVar variation 4534048 (VCV004534048.6).
Genomic context (GRCh38, chr3:195,786,144, plus strand): 5'-TGAGGAAGCGTCGGTGACAGGAAGAGGGGTGGTGTCACCTGTGGATGCTGAGGAAGGGCT[G>C]GTGACAGGAAGAGGGATGGCCTGACCTGTGGATGCCGAGGAAACGTCGGTGACAGGAAGA-3'
Protein context (NP_060876.5, residues 1802-1822): STGQAIPLPV[Thr1812=]SPSSASTGDT